The following is an entry in ClinVar:

ClinVar aggregate classification (germline): Uncertain significance (1 of 4 stars; one submission).

Conditions:
Oligodontia-cancer predisposition syndrome. Also called: TOOTH AGENESIS-COLORECTAL CANCER SYNDROME. Identifiers: Orphanet 300576, MedGen C1837750, MONDO:0012075, OMIM 608615. Disease mechanism: loss of function.

Submission:

Labcorp Genetics (formerly Invitae), Labcorp
Classification: Uncertain significance for Oligodontia-cancer predisposition syndrome. Last evaluated: 2023-03-16. Review status: criteria provided, single submitter. Criteria: Invitae Variant Classification Sherloc (09022015). Collection method: clinical testing. Allele origin: germline.
Comment: In summary, the available evidence is currently insufficient to determine the role of this variant in disease. Therefore, it has been classified as a Variant of Uncertain Significance. ClinVar contains an entry for this variant (Variation ID: 408853). This variant has not been reported in the literature in individuals affected with AXIN2-related conditions. This variant is not present in population databases (gnomAD no frequency). This variant, c.135_146del, results in the deletion of 4 amino acid(s) of the AXIN2 protein (p.Thr46_Met49del), but otherwise preserves the integrity of the reading frame.

NM_004655.4(AXIN2):c.135_146del (p.Thr46_Met49del)

Gene: AXIN2 (axin 2; minus strand). Cytogenetic location: 17q24.1.
Variant type: Deletion.
Coding change: c.135_146del on transcript NM_004655.4 (MANE Select); coding-DNA positions 135 to 146, 12 bases deleted (CACCAAACCCAT).
Protein change: p.Thr46_Met49del.
Molecular consequence: inframe deletion.
Genome position (GRCh38, 1-based): chr17:65,558,475-65,558,486, ATGGGTTTGGTG deleted on the plus strand (CACCAAACCCAT on the coding strand, the reverse complement: AXIN2 is on the minus strand); deleting any 12 consecutive bases within chr17:65,558,475-65,558,487 gives the same sequence; the c. name uses the placement nearest the transcript's 3' end. VCF-style (leftmost placement, unchanged base first): chr17-65558474-CATGGGTTTGGTG-C. GRCh37 (hg19) VCF-style: chr17-63554592-CATGGGTTTGGTG-C.
Other names: c.135_146del (LRG_296t1); c.135_146del, p.Thr46_Met49del (NM_001363813.1).
Identifiers: ClinVar variation 408853 (VCV000408853.6), dbSNP rs1064792955, ClinGen allele CA16615965.